The following is an entry in ClinVar:

ClinVar aggregate classification (germline): Uncertain significance (1 of 4 stars; one submission).

gnomAD v4.1: 33 of 1,610,772 alleles (0.002%); highest among the groups gnomAD compares: South Asian, 0.034%; 1 homozygote.

Submission:

Labcorp Genetics (formerly Invitae), Labcorp
Classification: Uncertain significance. Last evaluated: 2025-09-23. Review status: criteria provided, single submitter. Criteria: Invitae Variant Classification Sherloc (09022015). Collection method: clinical testing. Allele origin: germline.
Comment: This sequence change replaces glycine, which is neutral and non-polar, with valine, which is neutral and non-polar, at codon 550 of the TAOK2 protein (p.Gly550Val). This variant is present in population databases (rs773147120, gnomAD 0.03%). This variant has not been reported in the literature in individuals affected with TAOK2-related conditions. An algorithm developed to predict the effect of missense changes on protein structure and function (PolyPhen-2) suggests that this variant is likely to be tolerated. In summary, the available evidence is currently insufficient to determine the role of this variant in disease. Therefore, it has been classified as a Variant of Uncertain Significance.

NM_016151.4(TAOK2):c.1649G>T (p.Gly550Val)

Gene: TAOK2 (TAO kinase 2; plus strand). Cytogenetic location: 16p11.2.
Variant type: single nucleotide variant.
Coding change: c.1649G>T on transcript NM_016151.4 (MANE Select); coding-DNA position 1649, G replaced by T.
Protein change: p.Gly550Val; replaces glycine 550 with valine.
Molecular consequence: missense variant.
Genome position (GRCh38, 1-based): chr16:29,985,439, G>T. VCF-style: chr16-29985439-G-T. GRCh37 (hg19) VCF-style: chr16-29996760-G-T.
Other names: c.1649G>T, p.Gly550Val (NM_001252043.2, NM_004783.4); short protein forms G550V.
Identifiers: ClinVar variation 4781280 (VCV004781280.1).
Genomic context (GRCh38, chr16:29,985,439, plus strand): 5'-CGCAGCGGGCTGGCTTTGGGGCAGAGGCAGAAAAGCTGGCCCGGCGGCACCAGGCCATAG[G>T]TGAGAAGGAGGCACGAGCTGCCCAGGCCGAGGAGCGGAAGTTCCAGCAGCACATCCTTGG-3'
Protein context (NP_057235.2, residues 540-560): EKLARRHQAI[Gly550Val]EKEARAAQAE